The following is an entry in ClinVar:

NM_152564.5(VPS13B):c.7825A>G (p.Ile2609Val)

Gene: VPS13B (vacuolar protein sorting 13 homolog B; plus strand). Cytogenetic location: 8q22.2.
Variant type: single nucleotide variant.
Coding change: c.7825A>G on transcript NM_152564.5 (MANE Select); coding-DNA position 7825, A replaced by G.
Protein change: p.Ile2609Val; replaces isoleucine 2609 with valine.
Molecular consequence: missense variant.
Genome position (GRCh38, 1-based): chr8:99,784,360, A>G. VCF-style: chr8-99784360-A-G. GRCh37 (hg19) VCF-style: chr8-100796588-A-G.
Other names: c.7900A>G, p.Ile2634Val (NM_017890.5); short protein forms I2634V, I2609V.
Identifiers: ClinVar variation 4986852 (VCV004986852.1).

ClinVar aggregate classification (germline): Uncertain significance (1 of 4 stars; one submission).

Conditions:
VPS13B-related disorder. Also called: VPS13B-related condition.

gnomAD v4.1: 1 of 1,613,700 alleles (0.000062%); highest among the groups gnomAD compares: South Asian, 0.0011%; no homozygotes.

Submission:

PreventionGenetics, part of Exact Sciences
Classification: Uncertain significance for VPS13B-related condition. Last evaluated: 2025-11-11. Review status: criteria provided, single submitter. Criteria: ACMG Guidelines, 2015. Collection method: clinical testing. Allele origin: germline.
Comment: The VPS13B c.7825A>G variant is predicted to result in the amino acid substitution p.Ile2609Val. To our knowledge, this variant has not been reported in the literature or in a large population database (gnomAD), indicating this variant is rare. At this time, the clinical significance of this variant is uncertain due to the absence of conclusive functional and genetic evidence.